The following is an entry in ClinVar:

ClinVar aggregate classification (germline): Pathogenic/Likely pathogenic. Review status: criteria provided, multiple submitters, no conflicts (2 of 4 stars). 12 submissions from 12 submitters: Pathogenic (3); Likely pathogenic (8). 1 of the submissions does not count toward it. Last evaluated 2025-09-11.

Conditions:
Pancreatic cancer, susceptibility to, 3. Identifiers: Orphanet 1333, MedGen C3150547, MONDO:0013236, OMIM 613348.
Breast cancer, susceptibility to. Identifiers: MedGen C3469522. Disease mechanism: gain of function.
Hereditary cancer-predisposing syndrome. Also called: Neoplastic Syndromes, Hereditary; Hereditary neoplastic syndrome; Tumor predisposition; Hereditary Cancer Syndrome. Identifiers: Orphanet 140162, MedGen C0027672, MeSH D009386, MONDO:0015356.
Familial cancer of breast. Also called: Hereditary breast cancer; BREAST CANCER, FAMILIAL; hereditary breast carcinoma. Identifiers: Orphanet 227535, MedGen C0346153, MONDO:0016419, OMIM 114480. Disease mechanism: loss of function.

Allele frequency attached by ClinVar (database versions not stated): TOPMed below 0.00001; gnomAD 0.00001.
gnomAD v4.1: 1 of 1,613,510 alleles (0.000062%); highest among the groups gnomAD compares: Admixed American, 0.0017%; no homozygotes.

Submissions (12):

Color Diagnostics, LLC DBA Color Health
Classification: Likely pathogenic for Hereditary cancer-predisposing syndrome. Last evaluated: 2025-09-11. Review status: criteria provided, single submitter. Criteria: ACMG Guidelines, 2015. Collection method: clinical testing. Allele origin: germline.
Comment: This variant causes a G to A nucleotide substitution at the +1 position of intron 2 of the PALB2 gene. Splice site prediction tools predict that this variant may have a significant impact on RNA splicing. A RNA study has shown that this variant causes in-frame skipping of exon 2, resulting in loss of the in-frame deletion of 20 amino acid residues in the coiled-coil domain (PMID: 34846068). This variant has been detected in at least three individuals affected with breast cancer (PMID: 35264596, 35438911Color internal data). This variant has been detected in a breast cancer case-control meta-analysis in 1/60466 cases and 0/53461 unaffected individuals (PMID: 33471991Leiden Open Variation Database DB-ID PALB2_011221). This variant has not been identified in the general population by the Genome Aggregation Database (gnomAD). Loss of PALB2 function is a known mechanism of disease. Based on the available evidence, this variant is classified as Likely Pathogenic.

Labcorp Genetics (formerly Invitae), Labcorp
Classification: Pathogenic for Familial cancer of breast. Last evaluated: 2025-08-24. Review status: criteria provided, single submitter. Criteria: Invitae Variant Classification Sherloc (09022015). Collection method: clinical testing. Allele origin: germline.
Comment: This sequence change affects a donor splice site in intron 2 of the PALB2 gene. RNA analysis indicates that disruption of this splice site induces altered splicing and likely results in a shortened protein product. This variant is not present in population databases (gnomAD no frequency). Disruption of this splice site has been observed in individual(s) with breast cancer (PMID: 35264596). ClinVar contains an entry for this variant (Variation ID: 402289). Studies have shown that disruption of this splice site results in skipping of exon 2, but is expected to preserve the integrity of the reading-frame (PMID: 34846068; internal data). This variant disrupts a region of the PALB2 protein in which other variant(s) (p.Leu35Pro) have been determined to be pathogenic (PMID: 28319063, 30337689, 31586400, 31636395, 31757951, 33169439, 33964450). This suggests that this is a clinically significant region of the protein, and that variants that disrupt it are likely to be disease-causing. For these reasons, this variant has been classified as Pathogenic.

Molecular Diagnostics Laboratory, Catalan Institute of Oncology
Classification: Pathogenic for Hereditary cancer-predisposing syndrome. Last evaluated: 2025-03-30. Review status: criteria provided, single submitter. Criteria: ClinGen ACMG Specifications PALB2 V1.0.0. Collection method: clinical testing. Allele origin: germline.
Comment: PVS1, PM2_Supporting, PP1 c.108+1G>A, located in a canonic splicing site of the PALB2 gene is predicted to alter splicing. SpliceAI predicts, with a significant score, that the variant abolishes the splicing donor site in intron 2, probably causing the skipping of exon 2 (preserves reading frame, coiled-coil domain)(PVS1). It is not present in the population database gnomAD v2.1.1, non cancer dataset (PM2_Supporting). The variant co-segregates in individuals affected with breast cancer (LOD=0.43) (internal data) (PP1). It has been reported in ClinVar (2x pathogenic, 9x likely pathogenic) and LOVD (1x not classified) databases. The variant co-segregates in individuals affected with breast cancer (LOD=0.43), internal data) (PP1). Based on currently available information, the variant c.108+1G>A is classified as a pathogenic variant according to ClinGen-PALB2 Guidelines version 1.0.

Ambry Genetics
Classification: Likely pathogenic for Hereditary cancer-predisposing syndrome. Last evaluated: 2025-01-22. Review status: criteria provided, single submitter. Criteria: Ambry Variant Classification Scheme 2023. Collection method: clinical testing. Allele origin: germline.
Comment: The c.108+1G>A intronic variant results from a G to A substitution one nucleotide after coding exon 2 of the PALB2 gene. Alterations that disrupt the canonical splice site are expected to result in aberrant splicing. This nucleotide position is highly conserved in available vertebrate species. In silico splice site analysis predicts that this alteration will weaken the native splice donor site. The resulting transcript is predicted to be in-frame and is not expected to trigger nonsense-mediated mRNA decay. RNA studies have demonstrated that this variant was associated with in-frame exon 2 skipping (Valenzuela-Palomo A et al. J Pathol, 2022 Mar;256:321-334, Ambry internal data). The exact functional effect of the altered amino acid sequence is unknown; however, the impacted region is critical for protein function (Ambry internal data). This variant has been seen in multiple breast cancer patients (Dorling et al. N Engl J Med 2021 02;384:428-439; Guindalini RSC et al. Sci Rep, 2022 Mar;12:4190). This variant is considered to be rare based on population cohorts in the Genome Aggregation Database (gnomAD). Based on the majority of available evidence to date, this variant is likely to be pathogenic.

Institute of Medical Genetics and Applied Genomics, University Hospital Tübingen
Classification: Likely pathogenic for Familial cancer of breast. Last evaluated: 2024-10-02. Review status: criteria provided, single submitter. Criteria: ACMG Guidelines, 2015. Collection method: clinical testing. Allele origin: germline. Inheritance: Autosomal dominant inheritance. Affected: yes.

GeneDx
Classification: Likely pathogenic. Last evaluated: 2024-01-08. Review status: criteria provided, single submitter. Criteria: GeneDx Variant Classification Process June 2021. Collection method: clinical testing. Allele origin: germline. Affected: yes.
Comment: Canonical splice site variant demonstrated to cause aberrant splicing, resulting in the in-frame skipping of exon 2 (PMID: 34846068); In silico analysis supports a deleterious effect on splicing; Not observed at significant frequency in large population cohorts (gnomAD); This variant is associated with the following publications: (PMID: 31589614, 20871615, 19369211, 31447099, 16199547, 24136930, 35264596, 17200668, 17200671, 17200672, 25099575, 34846068, 32371921, 35438911, 33471991)

Myriad Genetics, Inc.
Classification: Likely pathogenic for Familial cancer of breast. Last evaluated: 2023-03-30. Review status: criteria provided, single submitter. Criteria: Myriad Autosomal Dominant, Autosomal Recessive and X-Linked Classification Criteria (2023). Collection method: clinical testing. Allele origin: unknown.
Comment: This variant is considered likely pathogenic. This variant occurs within a consensus splice junction and is predicted to result in abnormal mRNA splicing of either an out-of-frame exon or an in-frame exon necessary for protein stability and/or normal function.

Quest Diagnostics Nichols Institute San Juan Capistrano
Classification: Pathogenic. Last evaluated: 2022-10-07. Review status: criteria provided, single submitter. Criteria: Quest Diagnostics criteria. Collection method: clinical testing. Allele origin: unknown.
Comment: This variant disrupts a canonical splice-donor site and interferes with normal PALB2 mRNA splicing. The variant has not been reported in individuals with PALB2-related diseases in the published literature. It also has not been reported in large, multi-ethnic general populations. Based on the available information, this variant is classified as pathogenic.

CeGaT Center for Human Genetics Tuebingen
Classification: Likely pathogenic. Last evaluated: 2020-03-01. Review status: criteria provided, single submitter. Criteria: CeGaT Center For Human Genetics Tuebingen Variant Classification Criteria Version 2. Collection method: clinical testing. Allele origin: germline. Affected: yes. Observed: 1 variant allele.

Mendelics
Classification: Likely pathogenic for Familial cancer of breast. Last evaluated: 2019-05-28. Review status: criteria provided, single submitter. Criteria: Mendelics Assertion Criteria 2017. Collection method: clinical testing. Allele origin: unknown.

Human Genome Sequencing Center Clinical Lab, Baylor College of Medicine
Classification: Likely pathogenic for Susceptibility to breast cancer; Pancreatic cancer susceptibility 3. Last evaluated: 2018-09-27. Review status: criteria provided, single submitter. Criteria: ACMG Guidelines, 2015. Collection method: clinical testing. Allele origin: germline.
Comment: The c.108+1G>A variant in the PALB2 gene is predicted to disrupt a canonical splice donor site. This variant has not been observed in the gnomAD database. Therefore, the c.108+1G>A variant in the PALB2 gene is classified as likely pathogenic.

Counsyl
Classification: Likely pathogenic for Familial cancer of breast. Last evaluated: 2017-01-24. Review status: no assertion criteria provided. Collection method: clinical testing. Allele origin: unknown. Not counted in ClinVar's aggregate classification.

Literature cited by the submitters: PubMed 33471991 (cited by Color Diagnostics, LLC DBA Color Health and Ambry Genetics); PubMed 34846068 (cited by 3 submitters); PubMed 35264596 (cited by 3 submitters); PubMed 35438911 (cited by Color Diagnostics, LLC DBA Color Health); PubMed 28319063 (cited by Labcorp Genetics (formerly Invitae), Labcorp); PubMed 30337689 (cited by Labcorp Genetics (formerly Invitae), Labcorp); PubMed 31586400 (cited by Labcorp Genetics (formerly Invitae), Labcorp); PubMed 31636395 (cited by Labcorp Genetics (formerly Invitae), Labcorp); PubMed 31757951 (cited by Labcorp Genetics (formerly Invitae), Labcorp); PubMed 33169439 (cited by Labcorp Genetics (formerly Invitae), Labcorp); PubMed 33964450 (cited by Labcorp Genetics (formerly Invitae), Labcorp).

NM_024675.4(PALB2):c.108+1G>A

Gene: PALB2 (partner and localizer of BRCA2; minus strand). Cytogenetic location: 16p12.2.
Variant type: single nucleotide variant.
Coding change: c.108+1G>A on transcript NM_024675.4 (MANE Select); the canonical splice donor site of the intron after coding-DNA position 108, G replaced by A.
Molecular consequence: splice donor variant. On other transcripts: intron variant (4).
Genome position (GRCh38, 1-based): chr16:23,638,069, C>T on the plus strand (G>A on the coding strand, the complement: PALB2 is on the minus strand). VCF-style: chr16-23638069-C-T. GRCh37 (hg19) VCF-style: chr16-23649390-C-T.
Other names: c.-778+1G>A (NM_001407308.1, NM_001407306.1, NM_001407307.1 and 5 more transcripts); c.48+3041G>A (NM_001407314.1); c.-105+3041G>A (NM_001407313.1, NM_001407312.1); c.49-117G>A (NM_001407296.1); c.108+1G>A (NM_001407297.1, NM_001407302.1, NM_001407298.1 and 3 more transcripts).
Identifiers: ClinVar variation 402289 (VCV000402289.71), dbSNP rs1060499814, ClinGen allele CA16609606.